The following is an entry in ClinVar:

ClinVar aggregate classification (germline): Uncertain significance. Review status: criteria provided, multiple submitters, no conflicts (2 of 4 stars). 4 submissions from 4 submitters: Uncertain significance (4). Last evaluated 2024-12-04.

Conditions:
Hereditary cancer-predisposing syndrome. Also called: Neoplastic Syndromes, Hereditary; Tumor predisposition; Hereditary Cancer Syndrome; Hereditary neoplastic syndrome. Identifiers: Orphanet 140162, MedGen C0027672, MeSH D009386, MONDO:0015356.
Nijmegen breakage syndrome-like disorder (NBSLD). Also called: MICROCEPHALY AND SPONTANEOUS CHROMOSOME INSTABILITY WITHOUT IMMUNODEFICIENCY; NBS-LIKE DISORDER; RAD50 DEFICIENCY. Identifiers: Orphanet 240760, MedGen C2751318, MONDO:0013118, OMIM 613078.

gnomAD v4.1: 4 of 1,614,036 alleles (0.00025%); highest among the groups gnomAD compares: Non-Finnish European, 0.00034%; no homozygotes.

Submissions (4):

Ambry Genetics
Classification: Uncertain significance for Hereditary cancer-predisposing syndrome. Last evaluated: 2024-12-04. Review status: criteria provided, single submitter. Criteria: Ambry Variant Classification Scheme 2023. Collection method: clinical testing. Allele origin: germline.
Comment: The p.F1286S variant (also known as c.3857T>C), located in coding exon 25 of the RAD50 gene, results from a T to C substitution at nucleotide position 3857. The phenylalanine at codon 1286 is replaced by serine, an amino acid with highly dissimilar properties. This amino acid position is highly conserved in available vertebrate species. In addition, this alteration is predicted to be deleterious by in silico analysis. Since supporting evidence is limited at this time, the clinical significance of this alteration remains unclear.

Labcorp Genetics (formerly Invitae), Labcorp
Classification: Uncertain significance for Hereditary cancer-predisposing syndrome. Last evaluated: 2024-10-16. Review status: criteria provided, single submitter. Criteria: Invitae Variant Classification Sherloc (09022015). Collection method: clinical testing. Allele origin: germline.
Comment: This sequence change replaces phenylalanine, which is neutral and non-polar, with serine, which is neutral and polar, at codon 1286 of the RAD50 protein (p.Phe1286Ser). This variant is not present in population databases (gnomAD no frequency). This variant has not been reported in the literature in individuals affected with RAD50-related conditions. ClinVar contains an entry for this variant (Variation ID: 140919). Invitae Evidence Modeling of protein sequence and biophysical properties (such as structural, functional, and spatial information, amino acid conservation, physicochemical variation, residue mobility, and thermodynamic stability) indicates that this missense variant is expected to disrupt RAD50 protein function with a positive predictive value of 80%. In summary, the available evidence is currently insufficient to determine the role of this variant in disease. Therefore, it has been classified as a Variant of Uncertain Significance.

Fulgent Genetics
Classification: Uncertain significance for Nijmegen breakage syndrome-like disorder. Last evaluated: 2024-05-31. Review status: criteria provided, single submitter. Criteria: ACMG Guidelines, 2015. Collection method: clinical testing. Allele origin: germline.

Baylor Genetics
Classification: Uncertain significance for Nijmegen breakage syndrome-like disorder. Last evaluated: 2023-12-08. Review status: criteria provided, single submitter. Criteria: ACMG Guidelines, 2015. Collection method: clinical testing. Allele origin: unknown.

NM_005732.4(RAD50):c.3857T>C (p.Phe1286Ser)

Genes: RAD50 (RAD50 double strand break repair protein; plus strand), TH2LCRR (T helper type 2 locus control region associated RNA; minus strand). Cytogenetic location: 5q31.1.
Variant type: single nucleotide variant.
Coding change: c.3857T>C on transcript NM_005732.4 (MANE Select); coding-DNA position 3857, T replaced by C.
Protein change: p.Phe1286Ser; replaces phenylalanine 1286 with serine.
Molecular consequence: missense variant. On other transcripts: non-coding transcript variant (1).
Genome position (GRCh38, 1-based): chr5:132,642,282, T>C. VCF-style: chr5-132642282-T-C. GRCh37 (hg19) VCF-style: chr5-131977974-T-C.
Other names: short protein forms F1286S.
Identifiers: ClinVar variation 140919 (VCV000140919.17), dbSNP rs587781369, ClinGen allele CA163915.